The following is an entry in ClinVar:

ClinVar aggregate classification (germline): Likely benign. Review status: criteria provided, multiple submitters, no conflicts (2 of 4 stars). 3 submissions from 3 submitters: Likely benign (2). 1 of the submissions does not count toward it. Last evaluated 2025-10-02.

Conditions:
SH2B1-related disorder. Also called: SH2B1-related condition.

Allele frequency attached by ClinVar (database versions not stated): gnomAD exomes 0.00020 and 0.00029; TOPMed 0.00021; ExAC 0.00026; gnomAD 0.00039 and 0.00040; 1000 Genomes Project 0.00060; 1000 Genomes Project 30x 0.00078.
gnomAD v4.1: 487 of 1,611,652 alleles (0.03%); highest among the groups gnomAD compares: Non-Finnish European, 0.039%; 1 homozygote.

Submissions (3):

Labcorp Genetics (formerly Invitae), Labcorp
Classification: Likely benign. Last evaluated: 2025-10-02. Review status: criteria provided, single submitter. Criteria: Invitae Variant Classification Sherloc (09022015). Collection method: clinical testing. Allele origin: germline.

CeGaT Center for Human Genetics Tuebingen
Classification: Likely benign. Last evaluated: 2024-11-01. Review status: criteria provided, single submitter. Criteria: CeGaT Center For Human Genetics Tuebingen Variant Classification Criteria Version 2. Collection method: clinical testing. Allele origin: germline. Affected: yes. Observed: 1 variant allele.
Comment: SH2B1: BP4, BP7

PreventionGenetics, part of Exact Sciences
Classification: Likely benign for SH2B1-related condition. Last evaluated: 2021-09-26. Review status: no assertion criteria provided. Collection method: clinical testing. Allele origin: germline. Not counted in ClinVar's aggregate classification.
Comment: This variant is classified as likely benign based on ACMG/AMP sequence variant interpretation guidelines (Richards et al. 2015 PMID: 25741868, with internal and published modifications).

NM_001387430.1(SH2B1):c.222G>A (p.Gln74=)

Gene: SH2B1 (SH2B adaptor protein 1; plus strand). Cytogenetic location: 16p11.2.
Variant type: single nucleotide variant.
Coding change: c.222G>A on transcript NM_001387430.1 (MANE Select); coding-DNA position 222, G replaced by A.
Protein change: p.Gln74=; no amino-acid change (glutamine 74 retained).
Molecular consequence: synonymous variant. On other transcripts: intron variant (1).
Genome position (GRCh38, 1-based): chr16:28,866,316, G>A. VCF-style: chr16-28866316-G-A. GRCh37 (hg19) VCF-style: chr16-28877637-G-A.
Other names: c.222G>A, p.Gln74= (NM_001145795.2, NM_001145796.2, NM_001145797.2 and 4 more transcripts); c.-26-1058G>A (NM_001308294.2).
Identifiers: ClinVar variation 739423 (VCV000739423.25), dbSNP rs200897662, ClinGen allele CA7985877.